The following is an entry in ClinVar:

ClinVar aggregate classification (germline): Benign/Likely benign. Review status: criteria provided, multiple submitters, no conflicts (2 of 4 stars). 2 submissions from 2 submitters: Benign (1); Likely benign (1). Last evaluated 2025-02-14.

Conditions:
Breast-ovarian cancer, familial, susceptibility to, 3. Also called: RAD51C-Related Breast/Ovarian Cancer. Identifiers: Orphanet 145, MedGen C3150659, MONDO:0013253, OMIM 613399.
Fanconi anemia complementation group O. Also called: RAD51C-Related Fanconi Anemia. Identifiers: Orphanet 84, MedGen C3150653, MONDO:0013248, OMIM 613390.

Submissions (2):

Myriad Genetics, Inc.
Classification: Benign for Breast-ovarian cancer, familial, susceptibility to, 3. Last evaluated: 2025-02-14. Review status: criteria provided, single submitter. Criteria: Myriad Autosomal Dominant, Autosomal Recessive and X-Linked Classification Criteria (2023). Collection method: clinical testing. Allele origin: unknown.
Comment: This variant is considered benign. This variant is a silent/synonymous amino acid change and it is not expected to impact splicing.

Labcorp Genetics (formerly Invitae), Labcorp
Classification: Likely benign for Fanconi anemia complementation group O. Last evaluated: 2020-07-12. Review status: criteria provided, single submitter. Criteria: Invitae Variant Classification Sherloc (09022015). Collection method: clinical testing. Allele origin: germline.

NM_058216.3(RAD51C):c.270T>A (p.Leu90=)

Gene: RAD51C (RAD51 paralog C; plus strand). Cytogenetic location: 17q22.
Variant type: single nucleotide variant.
Coding change: c.270T>A on transcript NM_058216.3 (MANE Select); coding-DNA position 270, T replaced by A.
Protein change: p.Leu90=; no amino-acid change (leucine 90 retained).
Molecular consequence: synonymous variant. On other transcripts: non-coding transcript variant (2).
Genome position (GRCh38, 1-based): chr17:58,695,055, T>A. VCF-style: chr17-58695055-T-A. GRCh37 (hg19) VCF-style: chr17-56772416-T-A.
Other names: c.270T>A, p.Leu90= (NM_002876.4).
Identifiers: ClinVar variation 1100227 (VCV001100227.10), dbSNP rs1555593651, ClinGen allele CA501074632.
Genomic context (GRCh38, chr17:58,695,055, plus strand): 5'-AAATAAACCAAGATATGCTGGTACATCTGAGTCACACAAGAAGTGTACAGCACTGGAACT[T>A]CTTGAGCAGGAGCATACCCAGGGCTTCATAATCACCTTCTGTTCAGCACTAGATGATATT-3'
Protein context (NP_478123.1, residues 80-100): ESHKKCTALE[Leu90=]LEQEHTQGFI